The following is an entry in ClinVar:

NM_030665.4(RAI1):c.1606C>G (p.Arg536Gly)

Gene: RAI1 (retinoic acid induced 1; plus strand). Cytogenetic location: 17p11.2.
Variant type: single nucleotide variant.
Coding change: c.1606C>G on transcript NM_030665.4 (MANE Select); coding-DNA position 1606, C replaced by G.
Protein change: p.Arg536Gly; replaces arginine 536 with glycine.
Molecular consequence: missense variant.
Genome position (GRCh38, 1-based): chr17:17,794,554, C>G. VCF-style: chr17-17794554-C-G. GRCh37 (hg19) VCF-style: chr17-17697868-C-G.
Other names: short protein forms R536G.
Identifiers: ClinVar variation 2703645 (VCV002703645.3), dbSNP rs149164900, ClinGen allele CA398548801.

ClinVar aggregate classification (germline): Uncertain significance (1 of 4 stars; one submission).

Submission:

Labcorp Genetics (formerly Invitae), Labcorp
Classification: Uncertain significance. Last evaluated: 2023-12-25. Review status: criteria provided, single submitter. Criteria: Invitae Variant Classification Sherloc (09022015). Collection method: clinical testing. Allele origin: germline.
Comment: This sequence change replaces arginine, which is basic and polar, with glycine, which is neutral and non-polar, at codon 536 of the RAI1 protein (p.Arg536Gly). This variant is not present in population databases (gnomAD no frequency). This variant has not been reported in the literature in individuals affected with RAI1-related conditions. Advanced modeling of protein sequence and biophysical properties (such as structural, functional, and spatial information, amino acid conservation, physicochemical variation, residue mobility, and thermodynamic stability) performed at Invitae indicates that this missense variant is expected to disrupt RAI1 protein function with a positive predictive value of 80%. In summary, the available evidence is currently insufficient to determine the role of this variant in disease. Therefore, it has been classified as a Variant of Uncertain Significance.